The following is an entry in ClinVar:

ClinVar aggregate classification (germline): Benign. Review status: criteria provided, multiple submitters, no conflicts (2 of 4 stars). 5 submissions from 5 submitters: Benign (5). Last evaluated 2026-02-04.

Conditions:
Cone-rod dystrophy 19 (CORD19). Identifiers: Orphanet 1872, MedGen C4014501, MONDO:0014372, OMIM 615860.

Allele frequency attached by ClinVar (database versions not stated): TOPMed 0.99564; ESP Exome Variant Server 0.99585; gnomAD 0.99609 and 0.99641; 1000 Genomes Project 30x 0.99672; 1000 Genomes Project 0.99700; ExAC 0.99889; gnomAD exomes 0.99897.
gnomAD v4.1: 1,604,696 of 1,605,848 alleles (100%); highest among the groups gnomAD compares: East Asian, 100%; 801,778 homozygotes.

Submissions (5):

Labcorp Genetics (formerly Invitae), Labcorp
Classification: Benign. Last evaluated: 2026-02-04. Review status: criteria provided, single submitter. Criteria: Invitae Variant Classification Sherloc (09022015). Collection method: clinical testing. Allele origin: germline.

Blueprint Genetics
Classification: Benign. Last evaluated: 2024-11-28. Review status: criteria provided, single submitter. Criteria: ACMG Guidelines, 2015. Collection method: clinical testing. Allele origin: germline.

Genome-Nilou Lab
Classification: Benign for Cone-rod dystrophy 19. Last evaluated: 2021-09-10. Review status: criteria provided, single submitter. Criteria: ACMG Guidelines, 2015. Collection method: clinical testing. Allele origin: germline. Affected: no.

GeneDx
Classification: Benign. Last evaluated: 2018-04-26. Review status: criteria provided, single submitter. Criteria: GeneDx Variant Classification (06012015). Collection method: clinical testing. Allele origin: germline. Affected: yes.
Comment: This variant is considered likely benign or benign based on one or more of the following criteria: it is a conservative change, it occurs at a poorly conserved position in the protein, it is predicted to be benign by multiple in silico algorithms, and/or has population frequency not consistent with disease.

Breakthrough Genomics
Classification: Benign. Review status: criteria provided, single submitter. Criteria: ACMG Guidelines, 2015. Collection method: not provided. Allele origin: germline. Inheritance: Autosomal recessive inheritance. Affected: yes.

NM_015072.5(TTLL5):c.1709-7T>C

Gene: TTLL5 (tubulin tyrosine ligase like 5; plus strand). Cytogenetic location: 14q24.3.
Variant type: single nucleotide variant.
Coding change: c.1709-7T>C on transcript NM_015072.5 (MANE Select); 7 bases into the intron before coding-DNA position 1709, T replaced by C.
Molecular consequence: intron variant.
Genome position (GRCh38, 1-based): chr14:75,766,055, T>C. VCF-style: chr14-75766055-T-C. GRCh37 (hg19) VCF-style: chr14-76232398-T-C.
Identifiers: ClinVar variation 677191 (VCV000677191.14), dbSNP rs2359870, ClinGen allele CA7279517.